The following is an entry in ClinVar:

NM_004415.4(DSP):c.915C>T (p.Ile305=)

Gene: DSP (desmoplakin; plus strand). Cytogenetic location: 6p24.3.
Variant type: single nucleotide variant.
Coding change: c.915C>T on transcript NM_004415.4 (MANE Select); coding-DNA position 915, C replaced by T.
Protein change: p.Ile305=; no amino-acid change (isoleucine 305 retained).
Molecular consequence: synonymous variant.
Genome position (GRCh38, 1-based): chr6:7,565,496, C>T. VCF-style: chr6-7565496-C-T. GRCh37 (hg19) VCF-style: chr6-7565729-C-T.
Other names: c.915C>T (LRG_423t1, NM_004415.3); c.915C>T, p.Ile305= (NM_001008844.3, NM_001319034.2).
Identifiers: ClinVar variation 390821 (VCV000390821.16), dbSNP rs148395326, ClinGen allele CA053043.

ClinVar aggregate classification (germline): Likely benign. Review status: criteria provided, multiple submitters, no conflicts (2 of 4 stars). 6 submissions from 6 submitters: Likely benign (6). Last evaluated 2025-12-17.

Conditions:
DSP-related disorder. Also called: DSP-related disorders; DSP-related condition.
Cardiovascular phenotype. Identifiers: MedGen CN230736.
Arrhythmogenic right ventricular dysplasia 8 (ARVD8). Also called: ARRHYTHMOGENIC RIGHT VENTRICULAR DYSPLASIA, FAMILIAL, 8; ARRHYTHMOGENIC RIGHT VENTRICULAR CARDIOMYOPATHY 8; Arrhythmogenic Right Ventricular Dysplasia/Cardiomyopathy 8. Identifiers: MedGen C1843896, MONDO:0011831, OMIM 607450.
Arrhythmogenic cardiomyopathy with wooly hair and keratoderma. Also called: PALMOPLANTAR KERATODERMA WITH LEFT VENTRICULAR CARDIOMYOPATHY AND WOOLLY HAIR; Carvajal syndrome; Arrhythmogenic cardiomyopathy with woolly hair and keratoderma; Dilated cardiomyopathy with woolly hair and keratoderma. Identifiers: Orphanet 65282, MedGen C1854063, MONDO:0011581, OMIM 605676.
Cardiomyopathy (CMYO). Also called: Cardiomyopathies. Identifiers: Orphanet 167848, MedGen C0878544, MONDO:0004994, HP:0001638. Inheritance: Various modes of inheritance.

Allele frequency attached by ClinVar (database versions not stated): ExAC 0.00002; gnomAD exomes 0.00002 and 0.00003; TOPMed 0.00005; gnomAD 0.00006; 1000 Genomes Project 30x 0.00016; 1000 Genomes Project 0.00020; ESP Exome Variant Server 0.00023.
gnomAD v4.1: 31 of 1,613,962 alleles (0.0019%); highest among the groups gnomAD compares: African/African-American, 0.021%; no homozygotes.

Submissions (6):

Labcorp Genetics (formerly Invitae), Labcorp
Classification: Likely benign for Arrhythmogenic cardiomyopathy with wooly hair and keratoderma; Arrhythmogenic right ventricular dysplasia 8. Last evaluated: 2025-12-17. Review status: criteria provided, single submitter. Criteria: Invitae Variant Classification Sherloc (09022015). Collection method: clinical testing. Allele origin: germline.

PreventionGenetics, part of Exact Sciences
Classification: Likely benign for DSP-related condition. Last evaluated: 2025-10-22. Review status: criteria provided, single submitter. Criteria: ACMG Guidelines, 2015. Collection method: clinical testing. Allele origin: germline.
Comment: This variant is classified as likely benign based on ACMG/AMP sequence variant interpretation guidelines (Richards et al. 2015 PMID: 25741868, with internal and published modifications).

All of Us Research Program, National Institutes of Health
Classification: Likely benign for Arrhythmogenic cardiomyopathy with wooly hair and keratoderma. Last evaluated: 2023-10-02. Review status: criteria provided, single submitter. Criteria: ACMG Guidelines, 2015. Collection method: clinical testing. Allele origin: germline. Inheritance: Autosomal dominant inheritance. Observed: 4 variant alleles, 4 heterozygotes.
Comment: This study involves interpretation of variants in research participants for the purpose of population health screening. Participant phenotype was not available at the time of variant classification. Additional details can be found in publication PMID: 35346344, PMCID: PMC8962531

Ambry Genetics
Classification: Likely benign for Cardiovascular phenotype. Last evaluated: 2019-02-08. Review status: criteria provided, single submitter. Criteria: Ambry Variant Classification Scheme 2023. Collection method: clinical testing. Allele origin: germline.

Color Diagnostics, LLC DBA Color Health
Classification: Likely benign for Cardiomyopathy. Last evaluated: 2018-12-16. Review status: criteria provided, single submitter. Criteria: ACMG Guidelines, 2015. Collection method: clinical testing. Allele origin: germline.

GeneDx
Classification: Likely benign. Last evaluated: 2016-11-17. Review status: criteria provided, single submitter. Criteria: GeneDx Variant Classification (06012015). Collection method: clinical testing. Allele origin: germline. Affected: yes.
Comment: This variant is considered likely benign or benign based on one or more of the following criteria: it is a conservative change, it occurs at a poorly conserved position in the protein, it is predicted to be benign by multiple in silico algorithms, and/or has population frequency not consistent with disease.